The following is an entry in ClinVar:

NM_153704.6(TMEM67):c.1730_1733del (p.Ile577fs)

Gene: TMEM67 (transmembrane protein 67; plus strand). Cytogenetic location: 8q22.1.
Variant type: Deletion.
Coding change: c.1730_1733del on transcript NM_153704.6 (MANE Select); coding-DNA positions 1730 to 1733, 4 bases deleted (TCAT; older notation c.1730_1733delTCAT).
Protein change: p.Ile577fs; shifts the reading frame from isoleucine 577.
Molecular consequence: frameshift variant. On other transcripts: non-coding transcript variant (1).
Genome position (GRCh38, 1-based): chr8:93,795,464-93,795,467, TCAT deleted. VCF-style (leftmost placement, unchanged base first): chr8-93795463-ATCAT-A. GRCh37 (hg19) VCF-style: chr8-94807691-ATCAT-A.
Other names: c.1487_1490del, p.Ile496fs (NM_001142301.1); short protein forms I496fs, I577fs.
Identifiers: ClinVar variation 2948863 (VCV002948863.3), dbSNP rs2536896797, ClinGen allele CA2740095100.

ClinVar aggregate classification (germline): Pathogenic (1 of 4 stars; one submission).

Conditions:
Joubert syndrome. Also called: CEREBELLOPARENCHYMAL DISORDER IV; JOUBERT-BOLTSHAUSER SYNDROME; Familial aplasia of the vermis. Identifiers: Orphanet 475, MedGen C5979921, MONDO:0018772.
Meckel-Gruber syndrome. Also called: DYSENCEPHALIA SPLANCHNOCYSTICA; GRUBER SYNDROME; Dysencephalia splachnocystica. Identifiers: Orphanet 564, MedGen C0265215, MONDO:0018921.

Submission:

Labcorp Genetics (formerly Invitae), Labcorp
Classification: Pathogenic for Joubert syndrome; Meckel-Gruber syndrome. Last evaluated: 2023-06-14. Review status: criteria provided, single submitter. Criteria: Invitae Variant Classification Sherloc (09022015). Collection method: clinical testing. Allele origin: germline.
Comment: For these reasons, this variant has been classified as Pathogenic. This variant has not been reported in the literature in individuals affected with TMEM67-related conditions. This variant is not present in population databases (gnomAD no frequency). This sequence change creates a premature translational stop signal (p.Ile577Thrfs*42) in the TMEM67 gene. It is expected to result in an absent or disrupted protein product. Loss-of-function variants in TMEM67 are known to be pathogenic (PMID: 20232449, 23559409).

Literature cited by the submitters: PubMed 20232449; PubMed 23559409.